The following is an entry in ClinVar:

ClinVar aggregate classification (germline): Conflicting classifications of pathogenicity. Review status: criteria provided, conflicting classifications (1 of 4 stars). 2 submissions from 2 submitters: Uncertain significance (1); Likely benign (1). Last evaluated 2025-11-26.

Conditions:
Kabuki syndrome. Also called: Kabuki make-up syndrome; NIIKAWA-KUROKI SYNDROME. Identifiers: Orphanet 2322, MedGen C0796004, MONDO:0016512.
KMT2D-related disorder. Also called: KMT2D-Related Disorders.

Submissions (2):

PreventionGenetics, part of Exact Sciences
Classification: Uncertain significance for KMT2D-related condition. Last evaluated: 2025-11-26. Review status: criteria provided, single submitter. Criteria: ACMG Guidelines, 2015. Collection method: clinical testing. Allele origin: germline.
Comment: The KMT2D c.20C>T variant is predicted to result in the amino acid substitution p.Ala7Val. To our knowledge, this variant has not been reported in the literature or in a large population database (gnomAD), indicating this variant is rare. At this time, the clinical significance of this variant is uncertain due to the absence of conclusive functional and genetic evidence.

Labcorp Genetics (formerly Invitae), Labcorp
Classification: Likely benign for Kabuki syndrome. Last evaluated: 2022-06-27. Review status: criteria provided, single submitter. Criteria: Invitae Variant Classification Sherloc (09022015). Collection method: clinical testing. Allele origin: germline.

NM_003482.4(KMT2D):c.20C>T (p.Ala7Val)

Gene: KMT2D (lysine methyltransferase 2D; minus strand). Cytogenetic location: 12q13.12.
Variant type: single nucleotide variant.
Coding change: c.20C>T on transcript NM_003482.4 (MANE Select); coding-DNA position 20, C replaced by T.
Protein change: p.Ala7Val; replaces alanine 7 with valine.
Molecular consequence: missense variant.
Genome position (GRCh38, 1-based): chr12:49,055,305, G>A on the plus strand (C>T on the coding strand, the complement: KMT2D is on the minus strand). VCF-style: chr12-49055305-G-A. GRCh37 (hg19) VCF-style: chr12-49449088-G-A.
Other names: short protein forms A7V.
Identifiers: ClinVar variation 1973902 (VCV001973902.6), dbSNP rs2120718503, ClinGen allele CA384691391.
Genomic context (GRCh38, chr12:49,055,305, plus strand): 5'-TAAAAGCAAACAAACAATTTGTCCTACTCACCTGCCGGTTCTGAATCTTTATCCTCACCA[G>A]CCAGCTTCTGGCTGTCCATCCCTCTCTCCGACTGGGCAGGGCCCTCTCGGGGAGACCTGT-3'
Protein context (NP_003473.3, residues 1-17): MDSQKL[Ala7Val]GEDKDSEPAA